The following is an entry in ClinVar:

ClinVar aggregate classification (germline): Pathogenic (1 of 4 stars; one submission).

Submission:

GeneDx
Classification: Pathogenic. Last evaluated: 2026-03-19. Review status: criteria provided, single submitter. Criteria: GeneDx Variant Classification Process June 2021. Collection method: clinical testing. Allele origin: germline.
Comment: Not observed at significant frequency in large population cohorts (gnomAD); In silico analysis supports that this missense variant has a deleterious effect on protein structure/function; This variant is associated with the following publications: (PMID: 36553572)

NM_001367943.1(TCF7L2):c.1256C>T (p.Ala419Val)

Gene: TCF7L2 (transcription factor 7 like 2; plus strand). Cytogenetic location: 10q25.3.
Variant type: single nucleotide variant.
Coding change: c.1256C>T on transcript NM_001367943.1 (MANE Select); coding-DNA position 1256, C replaced by T.
Protein change: p.Ala419Val; replaces alanine 419 with valine.
Molecular consequence: missense variant.
Genome position (GRCh38, 1-based): chr10:113,152,427, C>T. VCF-style: chr10-113152427-C-T. GRCh37 (hg19) VCF-style: chr10-114912186-C-T.
Other names: c.1256C>T, p.Ala419Val (NM_001146274.2, NM_001198531.2, NM_001363501.2); c.1328C>T, p.Ala443Val (NM_001146283.2); c.1175C>T, p.Ala392Val (NM_001146284.2, NM_001198527.2); c.1187C>T, p.Ala396Val (NM_001146285.2, NM_001146286.2, NM_001198526.2 and 3 more transcripts); c.1202C>T, p.Ala401Val (NM_001198525.2); c.1085C>T, p.Ala362Val (NM_001198530.2); c.827C>T, p.Ala276Val (NM_001349870.2); c.707C>T, p.Ala236Val (NM_001349871.1); short protein forms A236V, A276V, A362V, A392V, A396V, A401V, A419V, A443V.
Identifiers: ClinVar variation 4538623 (VCV004538623.2).